The following is an entry in ClinVar:

NM_001042492.3(NF1):c.1232del (p.Val411fs)

Gene: NF1 (neurofibromin 1; plus strand). Cytogenetic location: 17q11.2.
Variant type: Deletion.
Coding change: c.1232del on transcript NM_001042492.3 (MANE Select); coding-DNA position 1232, one base deleted (T; older notation c.1232delT).
Protein change: p.Val411fs; shifts the reading frame from valine 411.
Molecular consequence: frameshift variant.
Genome position (GRCh38, 1-based): chr17:31,201,457, T deleted. VCF-style (leftmost placement, unchanged base first): chr17-31201456-GT-G. GRCh37 (hg19) VCF-style: chr17-29528474-GT-G.
Other names: c.1232del, p.Val411fs (NM_000267.4, NM_001128147.3); short protein forms V411fs.
Identifiers: ClinVar variation 4119148 (VCV004119148.1).

ClinVar aggregate classification (germline): Pathogenic (1 of 4 stars; one submission).

Conditions:
Cardiovascular phenotype. Identifiers: MedGen CN230736.
Hereditary cancer-predisposing syndrome. Also called: Hereditary neoplastic syndrome; Neoplastic Syndromes, Hereditary; Tumor predisposition; Hereditary Cancer Syndrome. Identifiers: Orphanet 140162, MedGen C0027672, MeSH D009386, MONDO:0015356.

Submission:

Ambry Genetics
Classification: Pathogenic for Cardiovascular phenotype; Hereditary cancer-predisposing syndrome. Last evaluated: 2025-09-04. Review status: criteria provided, single submitter. Criteria: Ambry Variant Classification Scheme 2023. Collection method: clinical testing. Allele origin: germline.
Comment: The c.1232delT pathogenic mutation, located in coding exon 11 of the NF1 gene, results from a deletion of one nucleotide at nucleotide position 1232, causing a translational frameshift with a predicted alternate stop codon (p.V411Efs*62). This variant was reported in individual(s) with features consistent with neurofibromatosis type 1 (Ambry internal data). This variant is considered to be rare based on population cohorts in the Genome Aggregation Database (gnomAD). This alteration is expected to result in loss of function by premature protein truncation or nonsense-mediated mRNA decay. As such, this alteration is interpreted as a disease-causing mutation.